The following is an entry in ClinVar:

NM_001287.6(CLCN7):c.1810A>G (p.Met604Val)

Gene: CLCN7 (Cl-/H+ antiporter 7; minus strand). Cytogenetic location: 16p13.3.
Variant type: single nucleotide variant.
Coding change: c.1810A>G on transcript NM_001287.6 (MANE Select); coding-DNA position 1810, A replaced by G.
Protein change: p.Met604Val; replaces methionine 604 with valine.
Molecular consequence: missense variant.
Genome position (GRCh38, 1-based): chr16:1,448,754, T>C on the plus strand (A>G on the coding strand, the complement: CLCN7 is on the minus strand). VCF-style: chr16-1448754-T-C. GRCh37 (hg19) VCF-style: chr16-1498755-T-C.
Other names: c.1810A>G (NM_001287.4); c.1738A>G, p.Met580Val (NM_001114331.3); short protein forms M580V, M604V.
Identifiers: ClinVar variation 3362438 (VCV003362438.4).

ClinVar aggregate classification (germline): Uncertain significance. Review status: criteria provided, multiple submitters, no conflicts (2 of 4 stars). 3 submissions from 3 submitters: Uncertain significance (3). Last evaluated 2025-10-13.

Conditions:
Inborn genetic diseases. Identifiers: MedGen C0950123, MeSH D030342.
Autosomal recessive osteopetrosis 4. Also called: CLCN7-Related Osteopetrosis; infantile malignant CLCN7-related recessive osteopetrosis. Identifiers: Orphanet 667, MedGen C1969106, MONDO:0012676, OMIM 611490.

Submissions (3):

Labcorp Genetics (formerly Invitae), Labcorp
Classification: Uncertain significance. Last evaluated: 2025-10-13. Review status: criteria provided, single submitter. Criteria: Invitae Variant Classification Sherloc (09022015). Collection method: clinical testing. Allele origin: germline.
Comment: This sequence change replaces methionine, which is neutral and non-polar, with valine, which is neutral and non-polar, at codon 604 of the CLCN7 protein (p.Met604Val). This variant is not present in population databases (gnomAD no frequency). This variant has not been reported in the literature in individuals affected with CLCN7-related conditions. ClinVar contains an entry for this variant (Variation ID: 3362438). Invitae Evidence Modeling of protein sequence and biophysical properties (such as structural, functional, and spatial information, amino acid conservation, physicochemical variation, residue mobility, and thermodynamic stability) indicates that this missense variant is not expected to disrupt CLCN7 protein function with a negative predictive value of 95%. In summary, the available evidence is currently insufficient to determine the role of this variant in disease. Therefore, it has been classified as a Variant of Uncertain Significance.

Genomic Medicine Center of Excellence, King Faisal Specialist Hospital and Research Centre
Classification: Uncertain significance for Autosomal recessive osteopetrosis 4. Last evaluated: 2024-09-22. Review status: criteria provided, single submitter. Criteria: ACMG Guidelines, 2015. Collection method: clinical testing. Allele origin: germline.

Ambry Genetics
Classification: Uncertain significance for Inborn genetic diseases. Last evaluated: 2024-09-01. Review status: criteria provided, single submitter. Criteria: Ambry Variant Classification Scheme 2023. Collection method: clinical testing. Allele origin: germline.